The following is an entry in ClinVar:

ClinVar aggregate classification (germline): Conflicting classifications of pathogenicity. Review status: criteria provided, conflicting classifications (1 of 4 stars). 4 submissions from 4 submitters: Uncertain significance (3); Likely benign (1). Last evaluated 2025-08-07.

Conditions:
Neurofibromatosis, type 1 (NF1). Also called: VON RECKLINGHAUSEN DISEASE; NEUROFIBROMATOSIS, TYPE I, SOMATIC; Peripheral type neurofibromatosis; Neurofibromatosis, type I. Identifiers: Orphanet 636, MedGen C0027831, MONDO:0018975, OMIM 162200. Disease mechanism: loss of function.
Hereditary cancer-predisposing syndrome. Also called: Neoplastic Syndromes, Hereditary; Tumor predisposition; Hereditary Cancer Syndrome; Hereditary neoplastic syndrome. Identifiers: Orphanet 140162, MedGen C0027672, MeSH D009386, MONDO:0015356.
Cardiovascular phenotype. Identifiers: MedGen CN230736.

Submissions (4):

Labcorp Genetics (formerly Invitae), Labcorp
Classification: Likely benign for Neurofibromatosis, type 1. Last evaluated: 2025-08-07. Review status: criteria provided, single submitter. Criteria: Invitae Variant Classification Sherloc (09022015). Collection method: clinical testing. Allele origin: germline.

Ambry Genetics
Classification: Uncertain significance for Cardiovascular phenotype; Hereditary cancer-predisposing syndrome. Last evaluated: 2024-10-07. Review status: criteria provided, single submitter. Criteria: Ambry Variant Classification Scheme 2023. Collection method: clinical testing. Allele origin: germline.
Comment: The c.3198-5T>G intronic variant results from a T to G substitution 5 nucleotides upstream from coding exon 25 in the NF1 gene. This nucleotide position is not well conserved in available vertebrate species. In silico splice site analysis for this alteration is inconclusive; however, direct evidence is insufficient at this time (Ambry internal data). Based on the available evidence, the clinical significance of this variant remains unclear.

Genome-Nilou Lab
Classification: Uncertain significance for Neurofibromatosis, type 1. Last evaluated: 2022-03-15. Review status: criteria provided, single submitter. Criteria: ACMG Guidelines, 2015. Collection method: clinical testing. Allele origin: germline. Affected: no.

GeneDx
Classification: Uncertain significance. Last evaluated: 2019-06-17. Review status: criteria provided, single submitter. Criteria: GeneDx Variant Classification Process June 2021. Collection method: clinical testing. Allele origin: germline. Affected: yes.
Comment: Not observed in large population cohorts (Lek et al., 2016); Has not been previously published as pathogenic or benign to our knowledge

NM_001042492.3(NF1):c.3198-5T>G

Gene: NF1 (neurofibromin 1; plus strand). Cytogenetic location: 17q11.2.
Variant type: single nucleotide variant.
Coding change: c.3198-5T>G on transcript NM_001042492.3 (MANE Select); 5 bases into the intron before coding-DNA position 3198, T replaced by G.
Molecular consequence: intron variant.
Genome position (GRCh38, 1-based): chr17:31,232,068, T>G. VCF-style: chr17-31232068-T-G. GRCh37 (hg19) VCF-style: chr17-29559086-T-G.
Other names: c.3198-5T>G (NM_000267.4).
Identifiers: ClinVar variation 561845 (VCV000561845.14), dbSNP rs587782639, ClinGen allele CA658824752.